The following is an entry in ClinVar:

NM_001723.7(DST):c.104A>G (p.His35Arg)

Gene: DST (dystonin; minus strand). Cytogenetic location: 6p12.1.
Variant type: single nucleotide variant.
Coding change: c.104A>G on transcript NM_001723.7 (MANE Plus Clinical); coding-DNA position 104, A replaced by G.
Protein change: p.His35Arg; replaces histidine 35 with arginine.
Molecular consequence: missense variant. On other transcripts: intron variant (9).
Genome position (GRCh38, 1-based): chr6:56,642,685, T>C on the plus strand (A>G on the coding strand, the complement: DST is on the minus strand). VCF-style: chr6-56642685-T-C. GRCh37 (hg19) VCF-style: chr6-56507483-T-C.
Other names: c.104A>G, p.His35Arg (NM_015548.5); c.1680-182A>G (NM_001144769.5); c.1779-182A>G (NM_001374722.1, NM_001374736.1); c.1806-182A>G (NM_001374734.1); c.1266-182A>G (NM_001144770.2); c.1146-182A>G (NM_001374730.1, NM_001386100.1, NM_183380.4 and 1 more transcripts); short protein forms H35R.
Identifiers: ClinVar variation 1951057 (VCV001951057.2), dbSNP rs1380710273, ClinGen allele CA364615536.

ClinVar aggregate classification (germline): Uncertain significance (1 of 4 stars; one submission).

Conditions:
Hereditary sensory and autonomic neuropathy type 6. Also called: Neuropathy, hereditary sensory and autonomic, type VI; HSAN VI. Identifiers: Orphanet 314381, MedGen C3539003, MONDO:0013839, OMIM 614653.
Epidermolysis bullosa simplex 3, localized or generalized intermediate, with BP230 deficiency (EBS3). Also called: Epidermolysis bullosa simplex due to BP230 deficiency; Epidermolysis bullosa simplex, autosomal recessive 2. Identifiers: Orphanet 412181, MedGen C3809470, MONDO:0014180, OMIM 615425.

Allele frequency attached by ClinVar (database versions not stated): gnomAD exomes 0.00001.
gnomAD v4.1: 17 of 1,614,184 alleles (0.0011%); highest among the groups gnomAD compares: Non-Finnish European, 0.0014%; no homozygotes.

Submission:

Labcorp Genetics (formerly Invitae), Labcorp
Classification: Uncertain significance for Epidermolysis bullosa simplex 3, localized or generalized intermediate, with BP230 deficiency; Hereditary sensory and autonomic neuropathy type 6. Last evaluated: 2022-07-21. Review status: criteria provided, single submitter. Criteria: Invitae Variant Classification Sherloc (09022015). Collection method: clinical testing. Allele origin: germline.
Comment: This sequence change replaces histidine, which is basic and polar, with arginine, which is basic and polar, at codon 35 of the DST protein (p.His35Arg). This variant is not present in population databases (gnomAD no frequency). This variant has not been reported in the literature in individuals affected with DST-related conditions. Algorithms developed to predict the effect of missense changes on protein structure and function (SIFT, PolyPhen-2, Align-GVGD) all suggest that this variant is likely to be tolerated. In summary, the available evidence is currently insufficient to determine the role of this variant in disease. Therefore, it has been classified as a Variant of Uncertain Significance.